The following is an entry in ClinVar:

NM_001134363.3(RBM20):c.3584C>G (p.Ser1195Cys)

Gene: RBM20 (RNA binding motif protein 20; plus strand). Cytogenetic location: 10q25.2.
Variant type: single nucleotide variant.
Coding change: c.3584C>G on transcript NM_001134363.3 (MANE Select); coding-DNA position 3584, C replaced by G.
Protein change: p.Ser1195Cys; replaces serine 1195 with cysteine.
Molecular consequence: missense variant.
Genome position (GRCh38, 1-based): chr10:110,835,878, C>G. VCF-style: chr10-110835878-C-G. GRCh37 (hg19) VCF-style: chr10-112595636-C-G.
Other names: c.3584C>G (NM_001134363.1); short protein forms S1195C.
Identifiers: ClinVar variation 470613 (VCV000470613.25), dbSNP rs753102653, ClinGen allele CA213237161.

ClinVar aggregate classification (germline): Uncertain significance. Review status: criteria provided, multiple submitters, no conflicts (2 of 4 stars). 4 submissions from 4 submitters: Uncertain significance (4). Last evaluated 2026-03-06.

Conditions:
Dilated cardiomyopathy 1DD (CMD1DD). Identifiers: Orphanet 154, MedGen C2750995, MONDO:0013168, OMIM 613172.
Cardiovascular phenotype. Identifiers: MedGen CN230736.

Allele frequency attached by ClinVar (database versions not stated): TOPMed 0.00002.
gnomAD v4.1: 11 of 1,550,564 alleles (0.00071%); highest among the groups gnomAD compares: Non-Finnish European, 0.00096%; no homozygotes.

Submissions (4):

Ambry Genetics
Classification: Uncertain significance for Cardiovascular phenotype. Last evaluated: 2026-03-06. Review status: criteria provided, single submitter. Criteria: Ambry Variant Classification Scheme 2023. Collection method: clinical testing. Allele origin: germline.
Comment: The p.S1195C variant (also known as c.3584C>G), located in coding exon 14 of the RBM20 gene, results from a C to G substitution at nucleotide position 3584. The serine at codon 1195 is replaced by cysteine, an amino acid with dissimilar properties. This amino acid position is highly conserved in available vertebrate species. In addition, the in silico prediction for this alteration is inconclusive. Based on the available evidence, the clinical significance of this variant remains unclear.

Labcorp Genetics (formerly Invitae), Labcorp
Classification: Uncertain significance for Dilated cardiomyopathy 1DD. Last evaluated: 2025-10-10. Review status: criteria provided, single submitter. Criteria: Invitae Variant Classification Sherloc (09022015). Collection method: clinical testing. Allele origin: germline.
Comment: This sequence change replaces serine, which is neutral and polar, with cysteine, which is neutral and slightly polar, at codon 1195 of the RBM20 protein (p.Ser1195Cys). This variant is present in population databases (no rsID available, gnomAD 0.003%). This variant has not been reported in the literature in individuals affected with RBM20-related conditions. ClinVar contains an entry for this variant (Variation ID: 470613). Invitae Evidence Modeling of protein sequence and biophysical properties (such as structural, functional, and spatial information, amino acid conservation, physicochemical variation, residue mobility, and thermodynamic stability) has been performed for this missense variant. However, the output from this modeling did not meet the statistical confidence thresholds required to predict the impact of this variant on RBM20 protein function. In summary, the available evidence is currently insufficient to determine the role of this variant in disease. Therefore, it has been classified as a Variant of Uncertain Significance.

Fulgent Genetics
Classification: Uncertain significance for Dilated cardiomyopathy 1DD. Last evaluated: 2021-08-03. Review status: criteria provided, single submitter. Criteria: ACMG Guidelines, 2015. Collection method: clinical testing. Allele origin: unknown.

Stanford Center for Inherited Cardiovascular Disease, Stanford University
Classification: Uncertain significance. Last evaluated: 2017-10-19. Review status: criteria provided, single submitter. Criteria: ACMG Guidelines, 2015. Collection method: provider interpretation. Allele origin: germline.